The following is an entry in ClinVar:

ClinVar aggregate classification (germline): Uncertain significance. Review status: criteria provided, multiple submitters, no conflicts (2 of 4 stars). 2 submissions from 2 submitters: Uncertain significance (2). Last evaluated 2023-09-17.

Allele frequency attached by ClinVar (database versions not stated): gnomAD exomes below 0.00001; TOPMed below 0.00001.

Submissions (2):

GeneDx
Classification: Uncertain significance. Last evaluated: 2023-09-17. Review status: criteria provided, single submitter. Criteria: GeneDx Variant Classification Process June 2021. Collection method: clinical testing. Allele origin: germline. Affected: yes.
Comment: In silico analysis supports that this missense variant has a deleterious effect on protein structure/function; Has not been previously published as pathogenic or benign to our knowledge

Labcorp Genetics (formerly Invitae), Labcorp
Classification: Uncertain significance. Last evaluated: 2023-03-21. Review status: criteria provided, single submitter. Criteria: Invitae Variant Classification Sherloc (09022015). Collection method: clinical testing. Allele origin: germline.
Comment: In summary, the available evidence is currently insufficient to determine the role of this variant in disease. Therefore, it has been classified as a Variant of Uncertain Significance. This sequence change replaces glutamine, which is neutral and polar, with arginine, which is basic and polar, at codon 2208 of the ITPR1 protein (p.Gln2208Arg). This variant is present in population databases (no rsID available, gnomAD 0.0009%). This variant has not been reported in the literature in individuals affected with ITPR1-related conditions. ClinVar contains an entry for this variant (Variation ID: 1697096). Advanced modeling of protein sequence and biophysical properties (such as structural, functional, and spatial information, amino acid conservation, physicochemical variation, residue mobility, and thermodynamic stability) performed at Invitae indicates that this missense variant is not expected to disrupt ITPR1 protein function.

NM_001378452.1(ITPR1):c.6812A>G (p.Gln2271Arg)

Gene: ITPR1 (inositol 1,4,5-trisphosphate receptor type 1; plus strand). Cytogenetic location: 3p26.1.
Variant type: single nucleotide variant.
Coding change: c.6812A>G on transcript NM_001378452.1 (MANE Select); coding-DNA position 6812, A replaced by G.
Protein change: p.Gln2271Arg; replaces glutamine 2271 with arginine.
Molecular consequence: missense variant.
Genome position (GRCh38, 1-based): chr3:4,795,068, A>G. VCF-style: chr3-4795068-A-G. GRCh37 (hg19) VCF-style: chr3-4836752-A-G.
Other names: c.6668A>G, p.Gln2223Arg (NM_001099952.4); c.6767A>G, p.Gln2256Arg (NM_001168272.2); c.6623A>G, p.Gln2208Arg (NM_002222.7); short protein forms Q2208R, Q2223R, Q2256R, Q2271R.
Identifiers: ClinVar variation 1697096 (VCV001697096.7), dbSNP rs1246508094, ClinGen allele CA351642517.